The following is an entry in ClinVar:

NM_001105206.3(LAMA4):c.5047G>A (p.Gly1683Arg)

Gene: LAMA4 (laminin subunit alpha 4; minus strand). Cytogenetic location: 6q21.
Variant type: single nucleotide variant.
Coding change: c.5047G>A on transcript NM_001105206.3 (MANE Select); coding-DNA position 5047, G replaced by A.
Protein change: p.Gly1683Arg; replaces glycine 1683 with arginine.
Molecular consequence: missense variant.
Genome position (GRCh38, 1-based): chr6:112,115,928, C>T on the plus strand (G>A on the coding strand, the complement: LAMA4 is on the minus strand). VCF-style: chr6-112115928-C-T. GRCh37 (hg19) VCF-style: chr6-112437131-C-T.
Other names: c.5026G>A, p.Gly1676Arg (NM_001105207.3, NM_002290.5); c.5047G>A (NM_001105206.1); short protein forms G1676R, G1683R.
Identifiers: ClinVar variation 1016500 (VCV001016500.9), dbSNP rs782085833, ClinGen allele CA3964832.
Genomic context (GRCh38, chr6:112,115,928, plus strand): 5'-CATTTTTCATGTGAACATTTAGGTACTCCCCATTGACACTGTGGCCGTGGACCAGGGTTC[C>T]GGAACTGCTTCTGGGACGGACTTCAAATGCAATTTCAAACTTCAATCCAATATTGAAAGA-3'
Protein context (NP_001098676.2, residues 1673-1693): AFEVRPRSSS[Gly1683Arg]TLVHGHSVNG

ClinVar aggregate classification (germline): Uncertain significance. Review status: criteria provided, multiple submitters, no conflicts (2 of 4 stars). 2 submissions from 2 submitters: Uncertain significance (2). Last evaluated 2022-05-27.

Conditions:
Dilated cardiomyopathy 1JJ (CMD1JJ). Identifiers: Orphanet 154, MedGen C3808935, MONDO:0014095, OMIM 615235.

Allele frequency attached by ClinVar (database versions not stated): gnomAD 0.00001; TOPMed 0.00001; ExAC 0.00002; gnomAD exomes 0.00002.
gnomAD v4.1: 29 of 1,613,336 alleles (0.0018%); highest among the groups gnomAD compares: South Asian, 0.0077%; no homozygotes.

Submissions (2):

Clinical Genetics Laboratory, Skane University Hospital Lund
Classification: Uncertain significance. Last evaluated: 2022-05-27. Review status: criteria provided, single submitter. Criteria: ACMG Guidelines, 2015. Collection method: clinical testing. Allele origin: germline. Affected: yes.

Labcorp Genetics (formerly Invitae), Labcorp
Classification: Uncertain significance for Dilated cardiomyopathy 1JJ. Last evaluated: 2021-07-31. Review status: criteria provided, single submitter. Criteria: Invitae Variant Classification Sherloc (09022015). Collection method: clinical testing. Allele origin: germline.
Comment: In summary, the available evidence is currently insufficient to determine the role of this variant in disease. Therefore, it has been classified as a Variant of Uncertain Significance. Algorithms developed to predict the effect of missense changes on protein structure and function are either unavailable or do not agree on the potential impact of this missense change (SIFT: "Deleterious"; PolyPhen-2: "Probably Damaging"; Align-GVGD: "Class C15"). This variant has not been reported in the literature in individuals with LAMA4-related conditions. This variant is present in population databases (rs782085833, ExAC 0.006%). This sequence change replaces glycine with arginine at codon 1676 of the LAMA4 protein (p.Gly1676Arg). The glycine residue is highly conserved and there is a moderate physicochemical difference between glycine and arginine.